The following is an entry in ClinVar:

NM_020975.6(RET):c.1487C>T (p.Ala496Val)

Gene: RET (ret proto-oncogene; plus strand). Cytogenetic location: 10q11.21.
Variant type: single nucleotide variant.
Coding change: c.1487C>T on transcript NM_020975.6 (MANE Select); coding-DNA position 1487, C replaced by T.
Protein change: p.Ala496Val; replaces alanine 496 with valine.
Molecular consequence: missense variant.
Genome position (GRCh38, 1-based): chr10:43,111,430, C>T. VCF-style: chr10-43111430-C-T. GRCh37 (hg19) VCF-style: chr10-43606878-C-T.
Other names: c.1487C>T, p.Ala496Val (NM_000323.2, NM_001406743.1, NM_001406744.1 and 6 more transcripts); c.725C>T, p.Ala242Val (NM_001355216.2); c.1358C>T, p.Ala453Val (NM_001406761.1, NM_001406762.1, NM_001406764.1 and 1 more transcripts); c.1199C>T, p.Ala400Val (NM_001406766.1, NM_001406767.1, NM_001406770.1); c.1091C>T, p.Ala364Val (NM_001406769.1, NM_001406772.1); c.1049C>T, p.Ala350Val (NM_001406771.1, NM_001406773.1); c.962C>T, p.Ala321Val (NM_001406774.1); c.761C>T, p.Ala254Val (NM_001406775.1, NM_001406776.1, NM_001406777.1 and 1 more transcripts); and 1 more; short protein forms A496V, A242V, A166V, A321V, A364V, A400V, A453V, A254V.
Identifiers: ClinVar variation 584561 (VCV000584561.15), dbSNP rs1356271817, ClinGen allele CA376549907.
Genomic context (GRCh38, chr10:43,111,430, plus strand): 5'-CCAAGTGTGCCGAACTTCACTACATGGTGGTGGCCACCGACCAGCAGACCTCTAGGCAGG[C>T]CCAGGCCCAGCTGCTTGTAACAGTGGAGGGGTCATGTGAGTGCCTGCTCCAGGGAGGGAG-3'
Protein context (NP_066124.1, residues 486-506): VATDQQTSRQ[Ala496Val]QAQLLVTVEG

ClinVar aggregate classification (germline): Uncertain significance. Review status: criteria provided, multiple submitters, no conflicts (2 of 4 stars). 4 submissions from 4 submitters: Uncertain significance (4). Last evaluated 2025-04-14.

Conditions:
Hereditary cancer-predisposing syndrome. Also called: Neoplastic Syndromes, Hereditary; Hereditary Cancer Syndrome; Tumor predisposition; Hereditary neoplastic syndrome. Identifiers: Orphanet 140162, MedGen C0027672, MeSH D009386, MONDO:0015356.
Multiple endocrine neoplasia, type 2 (MEN2). Identifiers: Orphanet 653, MedGen C4048306, MONDO:0019003. Disease mechanism: gain of function.

Allele frequency attached by ClinVar (database versions not stated): gnomAD exomes below 0.00001 and 0.00001.
gnomAD v4.1: 12 of 1,613,786 alleles (0.00074%); highest among the groups gnomAD compares: Non-Finnish European, 0.001%; no homozygotes.

Submissions (4):

Labcorp Genetics (formerly Invitae), Labcorp
Classification: Uncertain significance for Multiple endocrine neoplasia, type 2. Last evaluated: 2025-04-14. Review status: criteria provided, single submitter. Criteria: Invitae Variant Classification Sherloc (09022015). Collection method: clinical testing. Allele origin: germline.
Comment: This sequence change replaces alanine, which is neutral and non-polar, with valine, which is neutral and non-polar, at codon 496 of the RET protein (p.Ala496Val). This variant is present in population databases (no rsID available, gnomAD 0.002%). This missense change has been observed in individual(s) with personal and/or family history of cancer (PMID: 31159747). ClinVar contains an entry for this variant (Variation ID: 584561). An algorithm developed to predict the effect of missense changes on protein structure and function (PolyPhen-2) suggests that this variant is likely to be tolerated. In summary, the available evidence is currently insufficient to determine the role of this variant in disease. Therefore, it has been classified as a Variant of Uncertain Significance.

Ambry Genetics
Classification: Uncertain significance for Hereditary cancer-predisposing syndrome. Last evaluated: 2025-03-19. Review status: criteria provided, single submitter. Criteria: Ambry Variant Classification Scheme 2023. Collection method: clinical testing. Allele origin: germline.
Comment: The p.A496V variant (also known as c.1487C>T), located in coding exon 7 of the RET gene, results from a C to T substitution at nucleotide position 1487. The alanine at codon 496 is replaced by valine, an amino acid with similar properties. This alteration has been reported in 1/1197 individuals from Greece, Romania, and Turkey undergoing evaluation for inherited cancer predisposition (Tsaousis GN et al. BMC Cancer, 2019 Jun;19:535). This amino acid position is not well conserved in available vertebrate species. In addition, this alteration is predicted to be tolerated by in silico analysis. Based on the available evidence, the clinical significance of this variant remains unclear.

All of Us Research Program, National Institutes of Health
Classification: Uncertain significance for Multiple endocrine neoplasia, type 2. Last evaluated: 2023-06-26. Review status: criteria provided, single submitter. Criteria: ACMG Guidelines, 2015. Collection method: clinical testing. Allele origin: germline. Inheritance: Autosomal dominant inheritance. Observed: 1 variant allele, 1 heterozygote.
Comment: This missense variant replaces alanine with valine at codon 496 of the RET protein. Computational prediction suggests that this variant may not impact protein structure and function (internally defined REVEL score threshold <= 0.5, PMID: 27666373). To our knowledge, functional studies have not been reported for this variant. This variant has been reported in an individual who underwent genetic testing from a cohort of mostly individuals with personal or family history of breast and/or ovarian cancer (PMID: 31159747). This variant has been identified in 1/250184 chromosomes in the general population by the Genome Aggregation Database (gnomAD). The available evidence is insufficient to determine the role of this variant in disease conclusively. Therefore, this variant is classified as a Variant of Uncertain Significance.

This study involves interpretation of variants in research participants for the purpose of population health screening. Participant phenotype was not available at the time of variant classification. Additional details can be found in publication PMID: 35346344, PMCID: PMC8962531

GeneKor MSA
Classification: Uncertain significance for Hereditary cancer-predisposing syndrome. Last evaluated: 2018-08-01. Review status: criteria provided, single submitter. Criteria: ACMG Guidelines, 2015. Collection method: clinical testing. Allele origin: germline.

Literature cited by the submitters: PubMed 31159747 (cited by 3 submitters).